The following is an entry in ClinVar:

NM_000020.3(ACVRL1):c.1208T>C (p.Leu403Pro)

Gene: ACVRL1 (activin A receptor like type 1; plus strand). Cytogenetic location: 12q13.13.
Variant type: single nucleotide variant.
Coding change: c.1208T>C on transcript NM_000020.3 (MANE Select); coding-DNA position 1208, T replaced by C.
Protein change: p.Leu403Pro; replaces leucine 403 with proline.
Molecular consequence: missense variant.
Genome position (GRCh38, 1-based): chr12:51,916,195, T>C. VCF-style: chr12-51916195-T-C. GRCh37 (hg19) VCF-style: chr12-52309979-T-C.
Other names: c.1208T>C, p.Leu403Pro (NM_001077401.2, NM_001406487.1, NM_001406488.1 and 1 more transcripts); c.896T>C, p.Leu299Pro (NM_001406490.1, NM_001406491.1, NM_001406492.1 and 1 more transcripts); c.644T>C, p.Leu215Pro (NM_001406495.1); short protein forms L403P, L215P, L299P.
Identifiers: ClinVar variation 1749360 (VCV001749360.2), dbSNP rs2540166760, ClinGen allele CA384902951.

ClinVar aggregate classification (germline): Likely pathogenic (1 of 4 stars; one submission).

Conditions:
Cardiovascular phenotype. Identifiers: MedGen CN230736.

Submission:

Ambry Genetics
Classification: Likely pathogenic for Cardiovascular phenotype. Last evaluated: 2016-04-06. Review status: criteria provided, single submitter. Criteria: Ambry Variant Classification Scheme 2023. Collection method: clinical testing. Allele origin: germline.
Comment: The p.L403P variant (also known as c.1208T>C), located in coding exon 7 of the ACVRL1 gene, results from a T to C substitution at nucleotide position 1208. The leucine at codon 403 is replaced by proline, an amino acid with similar properties. This variant has been identified in several individuals with a clinical diagnosis of HHT (Lenato GM, Hum. Mutat. 2006 Feb; 27(2):213-4; Argyriou L, Int. J. Mol. Med. 2006 Apr; 17(4):655-9; Giordano P, J. Thromb. Haemost. 2006 Jun; 4(6):1237-45). This variant was not reported in population based cohorts in the following databases: Database of Single Nucleotide Polymorphisms (dbSNP), NHLBI Exome Sequencing Project (ESP), and 1000 Genomes Project. In the ESP, this variant was not observed in 6503 samples (13006 alleles) with coverage at this position. In addition, this alteration is predicted to be deleterious by in silico analysis. Based on the majority of available evidence to date, this variant is likely to be pathogenic.

Literature cited by the submitters: PubMed 16429404; PubMed 16525724; PubMed 16706966.